The following is an entry in ClinVar:

NM_012470.4(TNPO3):c.2537C>T (p.Pro846Leu)

Gene: TNPO3 (transportin 3; minus strand). Cytogenetic location: 7q32.1.
Variant type: single nucleotide variant.
Coding change: c.2537C>T on transcript NM_012470.4 (MANE Select); coding-DNA position 2537, C replaced by T.
Protein change: p.Pro846Leu; replaces proline 846 with leucine.
Molecular consequence: missense variant. On other transcripts: non-coding transcript variant (18).
Genome position (GRCh38, 1-based): chr7:128,970,209, G>A on the plus strand (C>T on the coding strand, the complement: TNPO3 is on the minus strand). VCF-style: chr7-128970209-G-A. GRCh37 (hg19) VCF-style: chr7-128610263-G-A.
Other names: c.2345C>T, p.Pro782Leu (NM_001191028.3, NM_001382223.1); c.2639C>T, p.Pro880Leu (NM_001382216.1); c.2618C>T, p.Pro873Leu (NM_001382217.1); c.2537C>T, p.Pro846Leu (NM_001382218.1); c.2429C>T, p.Pro810Leu (NM_001382219.1); c.2396C>T, p.Pro799Leu (NM_001382220.1); c.2393C>T, p.Pro798Leu (NM_001382221.1); c.2390C>T, p.Pro797Leu (NM_001382222.1); short protein forms P873L, P880L, P798L, P799L, P810L, P846L, P797L, P782L.
Identifiers: ClinVar variation 4742238 (VCV004742238.1).

ClinVar aggregate classification (germline): Uncertain significance (1 of 4 stars; one submission).

Conditions:
Autosomal dominant limb-girdle muscular dystrophy type 1F (LGMDD2). Also called: Limb-girdle muscular dystrophy, type 1F; MUSCULAR DYSTROPHY, LIMB-GIRDLE, AUTOSOMAL DOMINANT 2. Identifiers: Orphanet 55595, MedGen C1842062, MONDO:0012034, OMIM 608423.

Submission:

Labcorp Genetics (formerly Invitae), Labcorp
Classification: Uncertain significance for Autosomal dominant limb-girdle muscular dystrophy type 1F. Last evaluated: 2025-04-27. Review status: criteria provided, single submitter. Criteria: Invitae Variant Classification Sherloc (09022015). Collection method: clinical testing. Allele origin: germline.
Comment: This sequence change replaces proline, which is neutral and non-polar, with leucine, which is neutral and non-polar, at codon 846 of the TNPO3 protein (p.Pro846Leu). This variant is not present in population databases (gnomAD no frequency). This variant has not been reported in the literature in individuals affected with TNPO3-related conditions. Invitae Evidence Modeling of protein sequence and biophysical properties (such as structural, functional, and spatial information, amino acid conservation, physicochemical variation, residue mobility, and thermodynamic stability) has been performed for this missense variant. However, the output from this modeling did not meet the statistical confidence thresholds required to predict the impact of this variant on TNPO3 protein function. In summary, the available evidence is currently insufficient to determine the role of this variant in disease. Therefore, it has been classified as a Variant of Uncertain Significance.